The following is an entry in ClinVar:

NM_001378454.1(ALMS1):c.6679G>C (p.Ala2227Pro)

Gene: ALMS1 (ALMS1 centrosome and basal body associated protein; plus strand). Cytogenetic location: 2p13.1.
Variant type: single nucleotide variant.
Coding change: c.6679G>C on transcript NM_001378454.1 (MANE Select); coding-DNA position 6679, G replaced by C.
Protein change: p.Ala2227Pro; replaces alanine 2227 with proline.
Molecular consequence: missense variant.
Genome position (GRCh38, 1-based): chr2:73,453,206, G>C. VCF-style: chr2-73453206-G-C. GRCh37 (hg19) VCF-style: chr2-73680333-G-C.
Other names: c.6682G>C, p.Ala2228Pro (NM_015120.4); short protein forms A2227P, A2228P.
Identifiers: ClinVar variation 990692 (VCV000990692.8), dbSNP rs1671986679, ClinGen allele CA347289003.

ClinVar aggregate classification (germline): Uncertain significance. Review status: criteria provided, single submitter (1 of 4 stars). 2 submissions from 2 submitters: Uncertain significance (1). 1 of the submissions does not count toward it. Last evaluated 2022-03-10.

Conditions:
Alstrom syndrome (ALMS). Identifiers: Orphanet 64, MedGen C0268425, MONDO:0008763, OMIM 203800.

Submissions (2):

Labcorp Genetics (formerly Invitae), Labcorp
Classification: Uncertain significance for Alstrom syndrome. Last evaluated: 2022-03-10. Review status: criteria provided, single submitter. Criteria: Invitae Variant Classification Sherloc (09022015). Collection method: clinical testing. Allele origin: germline.
Comment: This sequence change replaces alanine, which is neutral and non-polar, with proline, which is neutral and non-polar, at codon 2228 of the ALMS1 protein (p.Ala2228Pro). In summary, the available evidence is currently insufficient to determine the role of this variant in disease. Therefore, it has been classified as a Variant of Uncertain Significance. Experimental studies and prediction algorithms are not available or were not evaluated, and the functional significance of this variant is currently unknown. ClinVar contains an entry for this variant (Variation ID: 990692). This variant has not been reported in the literature in individuals affected with ALMS1-related conditions. This variant is not present in population databases (gnomAD no frequency).

Natera, Inc.
Classification: Uncertain significance for Alstrom syndrome. Last evaluated: 2020-08-14. Review status: no assertion criteria provided. Collection method: clinical testing. Allele origin: germline. Not counted in ClinVar's aggregate classification.